The following is an entry in ClinVar:

NM_015409.5(EP400):c.8229GCA[5] (p.Gln2748_Thr2749insGln)

Gene: EP400 (E1A binding protein p400; plus strand). Cytogenetic location: 12q24.33.
Variant type: Microsatellite.
Coding change: c.8229GCA[5] on transcript NM_015409.5 (MANE Select); five copies in a row of the 3-base unit GCA starting at c.8229; the reference has four copies in a row; one copy, 3 bases duplicated.
Protein change: p.Gln2748_Thr2749insGln.
Genome position (GRCh38, 1-based): chr12:132,062,605-132,062,607, GCA duplicated; duplicating any 3 consecutive bases within chr12:132,062,594-132,062,607 gives the same sequence; the position shown is the placement nearest the transcript's 3' end. VCF-style (leftmost placement, unchanged base first): chr12-132062593-A-ACAG. GRCh37 (hg19) VCF-style: chr12-132547138-A-ACAG.
Identifiers: ClinVar variation 3048549 (VCV003048549.2), dbSNP rs561398509, ClinGen allele CA6887083.
Genomic context (GRCh38, chr12:132,062,593, plus strand): 5'-GCAGCAGCAGCAACAACAGCAGCAGCAGCAGCAGCAGCAGCAGCAGCAGCAGCAGCAGCA[A>ACAG]CAGCAGCAGCAGCAACAGACGACGACGACCTCTCAGGTGCAAGTTCCACAGATCCAGGGC-3'

ClinVar aggregate classification (germline): Likely benign (0 of 4 stars; one submission).

Conditions:
EP400-related disorder. Also called: EP400-related condition.

Submission:

PreventionGenetics, part of Exact Sciences
Classification: Likely benign for EP400-related condition. Last evaluated: 2022-06-14. Review status: no assertion criteria provided. Collection method: clinical testing. Allele origin: germline.
Comment: This variant is classified as likely benign based on ACMG/AMP sequence variant interpretation guidelines (Richards et al. 2015 PMID: 25741868, with internal and published modifications).